The following is an entry in ClinVar:

NM_004416.3(DTX1):c.1788G>A (p.Pro596=)

Gene: DTX1 (deltex E3 ubiquitin ligase 1; plus strand). Cytogenetic location: 12q24.13.
Variant type: single nucleotide variant.
Coding change: c.1788G>A on transcript NM_004416.3 (MANE Select); coding-DNA position 1788, G replaced by A.
Protein change: p.Pro596=; no amino-acid change (proline 596 retained).
Molecular consequence: synonymous variant.
Genome position (GRCh38, 1-based): chr12:113,096,864, G>A. VCF-style: chr12-113096864-G-A. GRCh37 (hg19) VCF-style: chr12-113534669-G-A.
Identifiers: ClinVar variation 2643347 (VCV002643347.24), dbSNP rs111233046, ClinGen allele CA6802162.

ClinVar aggregate classification (germline): Likely benign (1 of 4 stars; one submission).

Allele frequency attached by ClinVar (database versions not stated): 1000 Genomes Project 30x 0.00265; ExAC 0.00454; 1000 Genomes Project 0.00200; TOPMed 0.00510; gnomAD 0.00532; ESP Exome Variant Server 0.00546; gnomAD exomes 0.00818.
gnomAD v4.1: 12,631 of 1,613,740 alleles (0.78%); highest among the groups gnomAD compares: Non-Finnish European, 1%; 66 homozygotes.

Submission:

CeGaT Center for Human Genetics Tuebingen
Classification: Likely benign. Last evaluated: 2023-01-01. Review status: criteria provided, single submitter. Criteria: CeGaT Center For Human Genetics Tuebingen Variant Classification Criteria Version 2. Collection method: clinical testing. Allele origin: germline. Affected: yes. Observed: 1 variant allele.
Comment: DTX1: BP4, BP7, BS2